The following is an entry in ClinVar:

ClinVar aggregate classification (germline): Pathogenic/Likely pathogenic. Review status: criteria provided, multiple submitters, no conflicts (2 of 4 stars). 4 submissions from 4 submitters: Pathogenic (3); Likely pathogenic (1). Last evaluated 2025-08-29.

Conditions:
Adult hypophosphatasia. Identifiers: Orphanet 247676, Orphanet 436, MedGen C0268413, MONDO:1010154, OMIM 146300, MONDO:0007798.
Hypophosphatasia. Also called: Phosphoethanol-aminuria. Identifiers: Orphanet 436, MedGen C0020630, MeSH D007014, MONDO:0018570.

Allele frequency attached by ClinVar (database versions not stated): ExAC 0.00001; gnomAD exomes 0.00001 and 0.00002.
gnomAD v4.1: 17 of 1,613,864 alleles (0.0011%); highest among the groups gnomAD compares: Admixed American, 0.0017%; no homozygotes.

Submissions (4):

Genomenon, Inc
Classification: Pathogenic for Hypophosphatasia. Last evaluated: 2025-08-29. Review status: criteria provided, single submitter. Criteria: Genomenon Sequence Variant Interpretation Standards. Collection method: curation. Allele origin: germline. Affected: yes.
Comment: ALPL c.484G>A is a missense variant that changes the amino acid at residue 162 from Glycine to Serine. This variant has been observed in at least one proband affected with hypophosphatasia (PMID:26896157;29236161;26823351;12815606). At least one functional study has demonstrated a substantial alteration in protein function relative to the wild-type (PMID:32160374). It is absent or not present at a significant frequency in gnomAD. In silico models agree that this variant is possibly or probably damaging. In conclusion, we classify ALPL p.Gly162Ser (c.484G>A) as a pathogenic variant.

Baylor Genetics
Classification: Pathogenic for Adult hypophosphatasia. Last evaluated: 2023-12-23. Review status: criteria provided, single submitter. Criteria: ACMG Guidelines, 2015. Collection method: clinical testing. Allele origin: unknown.

Labcorp Genetics (formerly Invitae), Labcorp
Classification: Pathogenic. Last evaluated: 2023-06-23. Review status: criteria provided, single submitter. Criteria: Invitae Variant Classification Sherloc (09022015). Collection method: clinical testing. Allele origin: germline.
Comment: For these reasons, this variant has been classified as Pathogenic. This variant disrupts the p.Gly162 amino acid residue in ALPL. Other variant(s) that disrupt this residue have been determined to be pathogenic (PMID: 10094560, 10332035). This suggests that this residue is clinically significant, and that variants that disrupt this residue are likely to be disease-causing. Advanced modeling of protein sequence and biophysical properties (such as structural, functional, and spatial information, amino acid conservation, physicochemical variation, residue mobility, and thermodynamic stability) performed at Invitae indicates that this missense variant is expected to disrupt ALPL protein function. ClinVar contains an entry for this variant (Variation ID: 1076159). This variant is also known as p.Gly145Ser. This missense change has been observed in individual(s) with hypophosphatasia (PMID: 12815606, 26823351). This variant is present in population databases (rs760029254, gnomAD 0.003%). This sequence change replaces glycine, which is neutral and non-polar, with serine, which is neutral and polar, at codon 162 of the ALPL protein (p.Gly162Ser).

Women's Health and Genetics/Laboratory Corporation of America, LabCorp
Classification: Likely pathogenic for Hypophosphatasia. Last evaluated: 2022-07-28. Review status: criteria provided, single submitter. Criteria: LabCorp Variant Classification Summary - May 2015. Collection method: clinical testing. Allele origin: germline.
Comment: Variant summary: ALPL c.484G>A (p.Gly162Ser) results in a non-conservative amino acid change in the encoded protein sequence. Five of five in-silico tools predict a damaging effect of the variant on protein function. The variant allele was found at a frequency of 1.6e-05 in 250614 control chromosomes. c.484G>A has been reported in the literature as a presumed compound heterozygous genotype in at-least three individuals reportedly affected with with perinatal lethal type of Hypophosphatasia (example, Spentchian_2003, Del Angel_2020 cited in Mornet_2020) and as a non-informative genotype (second allele not specified) in cohorts of adults with low alklaine phosphatase activity/adult Hypophosphatasia (example, Belkhouribhia_2016, Saraff_2016, Taillandier_2018). These data indicate that the variant may be associated with disease. At least one publication reports experimental evidence evaluating an impact on protein function (Del Angel_2020). The most pronounced variant effect results in approximately 19% of normal low tissue nonspecific alkaline phosphatase (TNSALP) activity in-vitro. One clinical diagnostic laboratory has submitted clinical-significance assessments for this variant to ClinVar after 2014 without evidence for independent evaluation and classified the variant as pathogenic. Based on the evidence outlined above, the variant was classified as likely pathogenic.

Literature cited by the submitters: PubMed 26896157 (cited by Genomenon, Inc and Women's Health and Genetics/Laboratory Corporation of America, LabCorp); PubMed 29236161 (cited by Genomenon, Inc and Women's Health and Genetics/Laboratory Corporation of America, LabCorp); PubMed 26823351 (cited by 3 submitters); PubMed 12815606 (cited by 3 submitters); PubMed 32160374 (cited by Genomenon, Inc and Women's Health and Genetics/Laboratory Corporation of America, LabCorp); PubMed 10094560 (cited by Labcorp Genetics (formerly Invitae), Labcorp); PubMed 10332035 (cited by Labcorp Genetics (formerly Invitae), Labcorp); PubMed 32973344 (cited by Women's Health and Genetics/Laboratory Corporation of America, LabCorp).

NM_000478.6(ALPL):c.484G>A (p.Gly162Ser)

Gene: ALPL (alkaline phosphatase, biomineralization associated; plus strand). Cytogenetic location: 1p36.12.
Variant type: single nucleotide variant.
Coding change: c.484G>A on transcript NM_000478.6 (MANE Select); coding-DNA position 484, G replaced by A.
Protein change: p.Gly162Ser; replaces glycine 162 with serine.
Molecular consequence: missense variant.
Genome position (GRCh38, 1-based): chr1:21,564,052, G>A. VCF-style: chr1-21564052-G-A. GRCh37 (hg19) VCF-style: chr1-21890545-G-A.
Other names: c.319G>A, p.Gly107Ser (NM_001127501.4); c.253G>A, p.Gly85Ser (NM_001177520.3); c.484G>A, p.Gly162Ser (NM_001369803.2, NM_001369804.2, NM_001369805.2); short protein forms G107S, G162S, G85S.
Identifiers: ClinVar variation 1076159 (VCV001076159.13), dbSNP rs760029254, ClinGen allele CA666514.
Genomic context (GRCh38, chr1:21,564,052, plus strand): 5'-GACACCCCGATCTGTGGATAAAGCCAAACCCGCCCCTCCTGCACCCCAGGGAAATCTGTG[G>A]GCATTGTGACCACCACGAGAGTGAACCATGCCACCCCCAGCGCCGCCTACGCCCACTCGG-3'
Protein context (NP_000469.3, residues 152-172): RWAKDAGKSV[Gly162Ser]IVTTTRVNHA